The following is an entry in ClinVar:

ClinVar aggregate classification (germline): Conflicting classifications of pathogenicity. Review status: criteria provided, conflicting classifications (1 of 4 stars). 4 submissions from 4 submitters: Uncertain significance (1); Likely benign (3). Last evaluated 2026-01-12.

Conditions:
Inborn genetic diseases. Identifiers: MedGen C0950123, MeSH D030342.

Allele frequency attached by ClinVar (database versions not stated): ExAC 0.00007; gnomAD exomes 0.00007 and 0.00017; ESP Exome Variant Server 0.00008; TOPMed 0.00012; gnomAD 0.00013 and 0.00014.
gnomAD v4.1: 269 of 1,613,818 alleles (0.017%); highest among the groups gnomAD compares: Non-Finnish European, 0.021%; no homozygotes.

Submissions (4):

Labcorp Genetics (formerly Invitae), Labcorp
Classification: Likely benign. Last evaluated: 2026-01-12. Review status: criteria provided, single submitter. Criteria: Invitae Variant Classification Sherloc (09022015). Collection method: clinical testing. Allele origin: germline.

Blueprint Genetics
Classification: Likely benign. Last evaluated: 2024-01-23. Review status: criteria provided, single submitter. Criteria: ACMG Guidelines, 2015. Collection method: clinical testing. Allele origin: germline.

Ambry Genetics
Classification: Uncertain significance for Inborn genetic diseases. Last evaluated: 2022-12-02. Review status: criteria provided, single submitter. Criteria: Ambry Variant Classification Scheme 2023. Collection method: clinical testing. Allele origin: germline.

GeneDx
Classification: Likely benign. Last evaluated: 2019-10-01. Review status: criteria provided, single submitter. Criteria: GeneDx Variant Classification Process June 2021. Collection method: clinical testing. Allele origin: germline. Affected: yes.
Comment: In silico analysis, which includes protein predictors and evolutionary conservation, supports a deleterious effect; Has not been previously published as pathogenic or benign to our knowledge; Occurs in the triple helical domain at the Y position in the canonical Gly-X-Y repeat; although this variant may have an effect on normal protein folding and function, missense substitution at the Y position is not a common mechanism of disease (Stenson et al., 2014).

NM_001844.5(COL2A1):c.662A>C (p.Gln221Pro)

Gene: COL2A1 (collagen type II alpha 1 chain; minus strand). Cytogenetic location: 12q13.11.
Variant type: single nucleotide variant.
Coding change: c.662A>C on transcript NM_001844.5 (MANE Select); coding-DNA position 662, A replaced by C.
Protein change: p.Gln221Pro; replaces glutamine 221 with proline.
Molecular consequence: missense variant.
Genome position (GRCh38, 1-based): chr12:47,995,756, T>G on the plus strand (A>C on the coding strand, the complement: COL2A1 is on the minus strand). VCF-style: chr12-47995756-T-G. GRCh37 (hg19) VCF-style: chr12-48389539-T-G.
Other names: c.455A>C, p.Gln152Pro (NM_033150.3); short protein forms Q152P, Q221P.
Identifiers: ClinVar variation 842038 (VCV000842038.12), dbSNP rs368187891, ClinGen allele CA6535845.
Genomic context (GRCh38, chr12:47,995,756, plus strand): 5'-GTGCTGGTACTCACAGAGACACCAGGTTCACCAGGTTCACCAGGATTGCCTTGAAATCCT[T>G]GAGGCCCCTAAAAAGTAAAATGAGGATACCAGGTCAATCCCTATAAACTGCTAAAACATC-3'
Protein context (NP_001835.3, residues 211-231): PPGPAGAPGP[Gln221Pro]GFQGNPGEPG